The following is an entry in ClinVar:

ClinVar aggregate classification (germline): Uncertain significance (1 of 4 stars; one submission).

Conditions:
Cardiovascular phenotype. Identifiers: MedGen CN230736.

gnomAD v4.1: 12 of 1,614,054 alleles (0.00074%); highest among the groups gnomAD compares: Non-Finnish European, 0.001%; no homozygotes.

Submission:

Ambry Genetics
Classification: Uncertain significance for Cardiovascular phenotype. Last evaluated: 2026-09-13. Review status: criteria provided, single submitter. Criteria: Ambry Variant Classification Scheme 2023. Collection method: clinical testing. Allele origin: germline.
Comment: The p.F212S variant (also known as c.635T>C), located in coding exon 3 of the CYP27A1 gene, results from a T to C substitution at nucleotide position 635. The phenylalanine at codon 212 is replaced by serine, an amino acid with highly dissimilar properties. This amino acid position is conserved. In addition, the in silico prediction for this alteration is inconclusive. Based on the available evidence, the clinical significance of this variant remains unclear.

NM_000784.4(CYP27A1):c.635T>C (p.Phe212Ser)

Gene: CYP27A1 (cytochrome P450 family 27 subfamily A member 1; plus strand). Cytogenetic location: 2q35.
Variant type: single nucleotide variant.
Coding change: c.635T>C on transcript NM_000784.4 (MANE Select); coding-DNA position 635, T replaced by C.
Protein change: p.Phe212Ser; replaces phenylalanine 212 with serine.
Molecular consequence: missense variant.
Genome position (GRCh38, 1-based): chr2:218,812,410, T>C. VCF-style: chr2-218812410-T-C. GRCh37 (hg19) VCF-style: chr2-219677133-T-C.
Other names: short protein forms F212S.
Identifiers: ClinVar variation 5035103 (VCV005035103.1).